The following is an entry in ClinVar:

ClinVar aggregate classification (germline): Uncertain significance (1 of 4 stars; one submission).

Conditions:
Charcot-Marie-Tooth disease type 4. Also called: Charcot-Marie-Tooth disease, type IV; Charcot-Marie-Tooth, Type 4. Identifiers: Orphanet 64749, MedGen C4082197, MONDO:0018995.

Submission:

Labcorp Genetics (formerly Invitae), Labcorp
Classification: Uncertain significance for Charcot-Marie-Tooth disease type 4. Last evaluated: 2022-02-01. Review status: criteria provided, single submitter. Criteria: Invitae Variant Classification Sherloc (09022015). Collection method: clinical testing. Allele origin: germline.
Comment: In summary, the available evidence is currently insufficient to determine the role of this variant in disease. Therefore, it has been classified as a Variant of Uncertain Significance. Variants that disrupt the consensus splice site are a relatively common cause of aberrant splicing (PMID: 17576681, 9536098). Algorithms developed to predict the effect of sequence changes on RNA splicing suggest that this variant may disrupt the consensus splice site. Algorithms developed to predict the effect of missense changes on protein structure and function are either unavailable or do not agree on the potential impact of this missense change (SIFT: "Deleterious"; PolyPhen-2: "Probably Damaging"; Align-GVGD: "Class C0"). This variant has not been reported in the literature in individuals affected with FIG4-related conditions. This variant is not present in population databases (gnomAD no frequency). This sequence change replaces serine, which is neutral and polar, with asparagine, which is neutral and polar, at codon 166 of the FIG4 protein (p.Ser166Asn). This variant also falls at the last nucleotide of exon 5, which is part of the consensus splice site for this exon.

Literature cited by the submitters: PubMed 17576681; PubMed 9536098.

NM_014845.6(FIG4):c.497G>A (p.Ser166Asn)

Gene: FIG4 (FIG4 phosphoinositide 5-phosphatase; plus strand). Cytogenetic location: 6q21.
Variant type: single nucleotide variant.
Coding change: c.497G>A on transcript NM_014845.6 (MANE Select); coding-DNA position 497, G replaced by A.
Protein change: p.Ser166Asn; replaces serine 166 with asparagine.
Molecular consequence: missense variant.
Genome position (GRCh38, 1-based): chr6:109,732,687, G>A. VCF-style: chr6-109732687-G-A. GRCh37 (hg19) VCF-style: chr6-110053890-G-A.
Other names: short protein forms S166N.
Identifiers: ClinVar variation 1913016 (VCV001913016.5), dbSNP rs1776043028, ClinGen allele CA365218496.